The following is an entry in ClinVar:

NM_000233.4(LHCGR):c.1224G>A (p.Met408Ile)

Genes: LHCGR (luteinizing hormone/choriogonadotropin receptor; minus strand), STON1-GTF2A1L (STON1-GTF2A1L readthrough; plus strand). Cytogenetic location: 2p16.3.
Variant type: single nucleotide variant.
Coding change: c.1224G>A on transcript NM_000233.4 (MANE Select); coding-DNA position 1224, G replaced by A.
Protein change: p.Met408Ile; replaces methionine 408 with isoleucine.
Molecular consequence: missense variant. On other transcripts: intron variant (1).
Genome position (GRCh38, 1-based): chr2:48,688,573, C>T on the plus strand (G>A on the coding strand, the complement: LHCGR is on the minus strand). VCF-style: chr2-48688573-C-T. GRCh37 (hg19) VCF-style: chr2-48915712-C-T.
Other names: c.3441+16893C>T (NM_001198593.2); short protein forms M408I.
Identifiers: ClinVar variation 1900832 (VCV001900832.6), dbSNP rs138309348, ClinGen allele CA1653062.

ClinVar aggregate classification (germline): Uncertain significance. Review status: criteria provided, multiple submitters, no conflicts (2 of 4 stars). 2 submissions from 2 submitters: Uncertain significance (2). Last evaluated 2022-04-04.

Conditions:
Inborn genetic diseases. Identifiers: MedGen C0950123, MeSH D030342.

Allele frequency attached by ClinVar (database versions not stated): gnomAD exomes 0.00001; ExAC 0.00003; TOPMed 0.00007; gnomAD 0.00009; ESP Exome Variant Server 0.00015.
gnomAD v4.1: 23 of 1,614,036 alleles (0.0014%); highest among the groups gnomAD compares: African/African-American, 0.031%; no homozygotes.

Submissions (2):

Labcorp Genetics (formerly Invitae), Labcorp
Classification: Uncertain significance. Last evaluated: 2022-04-04. Review status: criteria provided, single submitter. Criteria: Invitae Variant Classification Sherloc (09022015). Collection method: clinical testing. Allele origin: germline.
Comment: In summary, the available evidence is currently insufficient to determine the role of this variant in disease. Therefore, it has been classified as a Variant of Uncertain Significance. Algorithms developed to predict the effect of sequence changes on RNA splicing suggest that this variant may create or strengthen a splice site. Advanced modeling of protein sequence and biophysical properties (such as structural, functional, and spatial information, amino acid conservation, physicochemical variation, residue mobility, and thermodynamic stability) performed at Invitae indicates that this missense variant is expected to disrupt LHCGR protein function. This variant has not been reported in the literature in individuals affected with LHCGR-related conditions. This variant is present in population databases (rs138309348, gnomAD 0.04%). This sequence change replaces methionine, which is neutral and non-polar, with isoleucine, which is neutral and non-polar, at codon 408 of the LHCGR protein (p.Met408Ile).

Ambry Genetics
Classification: Uncertain significance for Inborn genetic diseases. Last evaluated: 2021-09-15. Review status: criteria provided, single submitter. Criteria: Ambry Variant Classification Scheme 2023. Collection method: clinical testing. Allele origin: germline.